The following is an entry in ClinVar:

ClinVar aggregate classification (germline): Uncertain significance (1 of 4 stars; one submission).

Conditions:
Baraitser-Winter syndrome 1 (BRWS1). Also called: BARAITSER-WINTER SYNDROME 1, ATYPICAL; PACHYGYRIA, MENTAL RETARDATION, EPILEPSY, AND CHARACTERISTIC FACIES; MENTAL RETARDATION WITH EPILEPSY AND CHARACTERISTIC FACIES; Cerebrofrontofacial syndrome. Identifiers: Orphanet 2649, Orphanet 2995, MedGen C1855722, MONDO:0009470, OMIM 243310.

Submission:

Labcorp Genetics (formerly Invitae), Labcorp
Classification: Uncertain significance for Baraitser-Winter syndrome 1. Last evaluated: 2024-11-12. Review status: criteria provided, single submitter. Criteria: Invitae Variant Classification Sherloc (09022015). Collection method: clinical testing. Allele origin: germline.
Comment: This sequence change replaces isoleucine, which is neutral and non-polar, with valine, which is neutral and non-polar, at codon 274 of the ACTB protein (p.Ile274Val). This variant is not present in population databases (gnomAD no frequency). This variant has not been reported in the literature in individuals affected with ACTB-related conditions. Invitae Evidence Modeling of protein sequence and biophysical properties (such as structural, functional, and spatial information, amino acid conservation, physicochemical variation, residue mobility, and thermodynamic stability) indicates that this missense variant is not expected to disrupt ACTB protein function with a negative predictive value of 80%. In summary, the available evidence is currently insufficient to determine the role of this variant in disease. Therefore, it has been classified as a Variant of Uncertain Significance.

NM_001101.5(ACTB):c.820A>G (p.Ile274Val)

Gene: ACTB (actin beta; minus strand). Cytogenetic location: 7p22.1.
Variant type: single nucleotide variant.
Coding change: c.820A>G on transcript NM_001101.5 (MANE Select); coding-DNA position 820, A replaced by G.
Protein change: p.Ile274Val; replaces isoleucine 274 with valine.
Molecular consequence: missense variant.
Genome position (GRCh38, 1-based): chr7:5,528,168, T>C on the plus strand (A>G on the coding strand, the complement: ACTB is on the minus strand). VCF-style: chr7-5528168-T-C. GRCh37 (hg19) VCF-style: chr7-5567799-T-C.
Other names: short protein forms I274V.
Identifiers: ClinVar variation 3666123 (VCV003666123.2).